The following is an entry in ClinVar:

NM_001271.4(CHD2):c.5051A>C (p.His1684Pro)

Gene: CHD2 (chromodomain helicase DNA binding protein 2; plus strand). Cytogenetic location: 15q26.1.
Variant type: single nucleotide variant.
Coding change: c.5051A>C on transcript NM_001271.4 (MANE Select); coding-DNA position 5051, A replaced by C.
Protein change: p.His1684Pro; replaces histidine 1684 with proline.
Molecular consequence: missense variant.
Genome position (GRCh38, 1-based): chr15:93,020,156, A>C. VCF-style: chr15-93020156-A-C. GRCh37 (hg19) VCF-style: chr15-93563386-A-C.
Other names: short protein forms H1684P.
Identifiers: ClinVar variation 1036961 (VCV001036961.9), dbSNP rs770784804, ClinGen allele CA393907793.
Genomic context (GRCh38, chr15:93,020,156, plus strand): 5'-AGTATGAGCAGCACTGGTACAAGGACCACCATTATGGGGACCGGCGACATATGGATGCCC[A>C]CCGTTCCGGAAGCTATCGACCCAACAACATGTCCAGAAAGAGGCCTTATGACCAGTACAG-3'
Protein context (NP_001262.3, residues 1674-1694): HYGDRRHMDA[His1684Pro]RSGSYRPNNM

ClinVar aggregate classification (germline): Likely pathogenic (1 of 4 stars; one submission).

Conditions:
Developmental and epileptic encephalopathy 94 (DEE94). Also called: Epileptic encephalopathy, childhood-onset; CHD2-Related Neurodevelopmental Disorders. Identifiers: Orphanet 1942, Orphanet 2382, MedGen C3809278, MONDO:0014150, OMIM 615369.

Submission:

Labcorp Genetics (formerly Invitae), Labcorp
Classification: Likely pathogenic for Developmental and epileptic encephalopathy 94. Last evaluated: 2026-01-05. Review status: criteria provided, single submitter. Criteria: Invitae Variant Classification Sherloc (09022015). Collection method: clinical testing. Allele origin: germline.
Comment: This sequence change replaces histidine, which is basic and polar, with proline, which is neutral and non-polar, at codon 1684 of the CHD2 protein (p.His1684Pro). This variant is not present in population databases (gnomAD no frequency). This missense change has been observed in individual(s) with clinical features of CHD2-related conditions (internal data). In at least one individual the variant was observed to be de novo. ClinVar contains an entry for this variant (Variation ID: 1036961). Invitae Evidence Modeling of protein sequence and biophysical properties (such as structural, functional, and spatial information, amino acid conservation, physicochemical variation, residue mobility, and thermodynamic stability) indicates that this missense variant is not expected to disrupt CHD2 protein function with a negative predictive value of 95%. In summary, the currently available evidence indicates that the variant is pathogenic, but additional data are needed to prove that conclusively. Therefore, this variant has been classified as Likely Pathogenic.